The following is an entry in ClinVar:

ClinVar aggregate classification (germline): Uncertain significance (1 of 4 stars; one submission).

Conditions:
MEGF10-related myopathy (CMYO10A). Also called: Congenital myopathy 10A, severe variant. Identifiers: Orphanet 439212, MedGen C3280679, MONDO:0013731, OMIM 614399.

Allele frequency attached by ClinVar (database versions not stated): gnomAD exomes below 0.00001; ExAC 0.00001.
gnomAD v4.1: 1 of 1,613,990 alleles (0.000062%); highest among the groups gnomAD compares: South Asian, 0.0011%; no homozygotes.

Submission:

Labcorp Genetics (formerly Invitae), Labcorp
Classification: Uncertain significance for MEGF10-related myopathy. Last evaluated: 2021-05-07. Review status: criteria provided, single submitter. Criteria: Invitae Variant Classification Sherloc (09022015). Collection method: clinical testing. Allele origin: germline.
Comment: In summary, the available evidence is currently insufficient to determine the role of this variant in disease. Therefore, it has been classified as a Variant of Uncertain Significance. Algorithms developed to predict the effect of missense changes on protein structure and function are either unavailable or do not agree on the potential impact of this missense change (SIFT: "Deleterious"; PolyPhen-2: "Benign"; Align-GVGD: "Class C25"). This variant has not been reported in the literature in individuals with MEGF10-related conditions. This variant is present in population databases (rs767932327, ExAC 0.006%). This sequence change replaces histidine with arginine at codon 247 of the MEGF10 protein (p.His247Arg). The histidine residue is highly conserved and there is a small physicochemical difference between histidine and arginine.

NM_001256545.2(MEGF10):c.740A>G (p.His247Arg)

Gene: MEGF10 (multiple EGF like domains 10; plus strand). Cytogenetic location: 5q23.2.
Variant type: single nucleotide variant.
Coding change: c.740A>G on transcript NM_001256545.2 (MANE Select); coding-DNA position 740, A replaced by G.
Protein change: p.His247Arg; replaces histidine 247 with arginine.
Molecular consequence: missense variant.
Genome position (GRCh38, 1-based): chr5:127,398,756, A>G. VCF-style: chr5-127398756-A-G. GRCh37 (hg19) VCF-style: chr5-126734448-A-G.
Other names: c.740A>G, p.His247Arg (NM_001308119.2, NM_001308121.2, NM_032446.3); short protein forms H247R.
Identifiers: ClinVar variation 1376504 (VCV001376504.6), dbSNP rs767932327, ClinGen allele CA3391388.